The following is an entry in ClinVar:

ClinVar aggregate classification (germline): Uncertain significance (1 of 4 stars; one submission).

Conditions:
DYRK1B-related disorder. Also called: DYRK1B-related condition.

Submission:

PreventionGenetics, part of Exact Sciences
Classification: Uncertain significance for DYRK1B-related condition. Last evaluated: 2024-11-13. Review status: criteria provided, single submitter. Criteria: ACMG Guidelines, 2015. Collection method: clinical testing. Allele origin: germline.
Comment: The DYRK1B c.991A>G variant is predicted to result in the amino acid substitution p.Ile331Val. To our knowledge, this variant has not been reported in the literature or in a large population database (gnomAD), indicating this variant is rare. At this time, the clinical significance of this variant is uncertain due to the absence of conclusive functional and genetic evidence.

NM_004714.3(DYRK1B):c.991A>G (p.Ile331Val)

Gene: DYRK1B (dual specificity tyrosine phosphorylation regulated kinase 1B; minus strand). Cytogenetic location: 19q13.2.
Variant type: single nucleotide variant.
Coding change: c.991A>G on transcript NM_004714.3 (MANE Select); coding-DNA position 991, A replaced by G.
Protein change: p.Ile331Val; replaces isoleucine 331 with valine.
Molecular consequence: missense variant.
Genome position (GRCh38, 1-based): chr19:39,827,389, T>C on the plus strand (A>G on the coding strand, the complement: DYRK1B is on the minus strand). VCF-style: chr19-39827389-T-C. GRCh37 (hg19) VCF-style: chr19-40318029-T-C.
Other names: c.991A>G, p.Ile331Val (NM_006483.3, NM_006484.3); short protein forms I331V.
Identifiers: ClinVar variation 3346188 (VCV003346188.2).